The following is an entry in ClinVar:

ClinVar aggregate classification (germline): Pathogenic/Likely pathogenic. Review status: no assertion criteria provided (0 of 4 stars). 2 submissions from 2 submitters: Pathogenic (1); Likely pathogenic (1). Last evaluated 2021-01-27.

Conditions:
Macular dystrophy. Identifiers: MedGen C0730292, HP:0007754.

Submissions (2):

Leiden Open Variation Database
Classification: Pathogenic. Last evaluated: 2021-01-27. Review status: no assertion criteria provided. Collection method: curation. Allele origin: germline. Affected: yes.
Comment: Curator: Global Variome, with Curator vacancy. Submitter to LOVD: LOVD.

NIHR Bioresource Rare Diseases, University of Cambridge
Classification: Likely pathogenic for Macular dystrophy. Last evaluated: 2015-01-01. Review status: no assertion criteria provided. Collection method: research. Allele origin: unknown. Affected: yes. Observed: 1 variant allele.

Literature cited by the submitters: PubMed 28041643 (cited by Leiden Open Variation Database and NIHR Bioresource Rare Diseases, University of Cambridge).

NM_000322.5(PRPH2):c.625G>T (p.Val209Phe)

Gene: PRPH2 (peripherin 2; minus strand). Cytogenetic location: 6p21.1.
Variant type: single nucleotide variant.
Coding change: c.625G>T on transcript NM_000322.5 (MANE Select); coding-DNA position 625, G replaced by T.
Protein change: p.Val209Phe; replaces valine 209 with phenylalanine.
Molecular consequence: missense variant.
Genome position (GRCh38, 1-based): chr6:42,704,568, C>A on the plus strand (G>T on the coding strand, the complement: PRPH2 is on the minus strand). VCF-style: chr6-42704568-C-A. GRCh37 (hg19) VCF-style: chr6-42672306-C-A.
Other names: short protein forms V209F.
Identifiers: ClinVar variation 437966 (VCV000437966.3), dbSNP rs753657349, ClinGen allele CA364135650.